The following is an entry in ClinVar:

ClinVar aggregate classification (germline): Uncertain significance. Review status: criteria provided, multiple submitters, no conflicts (2 of 4 stars). 2 submissions from 2 submitters: Uncertain significance (2). Last evaluated 2022-08-13.

Conditions:
Peroxisome biogenesis disorder 6A (Zellweger). Also called: Peroxisome biogenesis disorder 6A. Identifiers: Orphanet 912, MedGen C3553947, MONDO:0013936, OMIM 614870.
Peroxisome biogenesis disorder, complementation group 7 (CG7). Also called: Peroxisome biogenesis disorder, complementation group B. Identifiers: MedGen C1864399.

Allele frequency attached by ClinVar (database versions not stated): gnomAD 0.00001; TOPMed 0.00001; gnomAD exomes 0.00002; ExAC 0.00004.
gnomAD v4.1: 21 of 1,604,908 alleles (0.0013%); highest among the groups gnomAD compares: Admixed American, 0.0085%; no homozygotes.

Submissions (2):

Labcorp Genetics (formerly Invitae), Labcorp
Classification: Uncertain significance for Peroxisome biogenesis disorder, complementation group 7. Last evaluated: 2022-08-13. Review status: criteria provided, single submitter. Criteria: Invitae Variant Classification Sherloc (09022015). Collection method: clinical testing. Allele origin: germline.
Comment: This sequence change replaces alanine, which is neutral and non-polar, with proline, which is neutral and non-polar, at codon 215 of the PEX10 protein (p.Ala215Pro). This variant is present in population databases (rs149822209, gnomAD 0.006%). This variant has not been reported in the literature in individuals affected with PEX10-related conditions. ClinVar contains an entry for this variant (Variation ID: 875453). Algorithms developed to predict the effect of missense changes on protein structure and function (SIFT, PolyPhen-2, Align-GVGD) all suggest that this variant is likely to be tolerated. In summary, the available evidence is currently insufficient to determine the role of this variant in disease. Therefore, it has been classified as a Variant of Uncertain Significance.

Illumina Laboratory Services, Illumina
Classification: Uncertain significance for Peroxisome biogenesis disorder 6A (Zellweger). Last evaluated: 2018-01-13. Review status: criteria provided, single submitter. Criteria: ICSL Variant Classification Criteria 13 December 2019. Collection method: clinical testing. Allele origin: germline.

NM_002617.4(PEX10):c.601-18G>C

Gene: PEX10 (peroxisomal biogenesis factor 10; minus strand). Cytogenetic location: 1p36.32.
Variant type: single nucleotide variant.
Coding change: c.601-18G>C on transcript NM_002617.4 (MANE Select); 18 bases into the intron before coding-DNA position 601, G replaced by C.
Molecular consequence: intron variant. On other transcripts: missense variant (3).
Genome position (GRCh38, 1-based): chr1:2,406,913, C>G on the plus strand (G>C on the coding strand, the complement: PEX10 is on the minus strand). VCF-style: chr1-2406913-C-G. GRCh37 (hg19) VCF-style: chr1-2338352-C-G.
Other names: c.640G>C, p.Ala214Pro (NM_001374425.1); c.208G>C, p.Ala70Pro (NM_001374426.1); c.643G>C, p.Ala215Pro (NM_153818.2); c.169-18G>C (NM_001374427.1); short protein forms A215P, A214P, A70P.
Identifiers: ClinVar variation 875453 (VCV000875453.6), dbSNP rs149822209, ClinGen allele CA538100.